The following is an entry in ClinVar:

NM_177438.3(DICER1):c.3608A>C (p.Asn1203Thr)

Gene: DICER1 (dicer 1, ribonuclease III; minus strand). Cytogenetic location: 14q32.13.
Variant type: single nucleotide variant.
Coding change: c.3608A>C on transcript NM_177438.3 (MANE Select); coding-DNA position 3608, A replaced by C.
Protein change: p.Asn1203Thr; replaces asparagine 1203 with threonine.
Molecular consequence: missense variant. On other transcripts: non-coding transcript variant (6).
Genome position (GRCh38, 1-based): chr14:95,103,788, T>G on the plus strand (A>C on the coding strand, the complement: DICER1 is on the minus strand). VCF-style: chr14-95103788-T-G. GRCh37 (hg19) VCF-style: chr14-95570125-T-G.
Other names: c.3608A>C, p.Asn1203Thr (NM_001195573.1, NM_001271282.3, NM_001291628.2 and 13 more transcripts); c.3326A>C, p.Asn1109Thr (NM_001395686.1); c.3203A>C, p.Asn1068Thr (NM_001395687.1, NM_001395688.1, NM_001395689.1 and 2 more transcripts); c.3041A>C, p.Asn1014Thr (NM_001395691.1); c.1925A>C, p.Asn642Thr (NM_001395697.1); short protein forms N1203T, N1068T, N1014T, N1109T, N642T.
Identifiers: ClinVar variation 1733172 (VCV001733172.4), dbSNP rs2542706248, ClinGen allele CA390874709.

ClinVar aggregate classification (germline): Uncertain significance. Review status: criteria provided, multiple submitters, no conflicts (2 of 4 stars). 2 submissions from 2 submitters: Uncertain significance (2). Last evaluated 2024-04-11.

Conditions:
Hereditary cancer-predisposing syndrome. Also called: Neoplastic Syndromes, Hereditary; Tumor predisposition; Hereditary Cancer Syndrome; Hereditary neoplastic syndrome. Identifiers: Orphanet 140162, MedGen C0027672, MeSH D009386, MONDO:0015356.
DICER1-related tumor predisposition. Also called: DICER1 syndrome; DICER1-related pleuropulmonary blastoma cancer predisposition syndrome. Identifiers: Orphanet 284343, MedGen C3839822, MONDO:0100216.

Submissions (2):

Labcorp Genetics (formerly Invitae), Labcorp
Classification: Uncertain significance for DICER1-related tumor predisposition. Last evaluated: 2024-04-11. Review status: criteria provided, single submitter. Criteria: Invitae Variant Classification Sherloc (09022015). Collection method: clinical testing. Allele origin: germline.
Comment: This sequence change replaces asparagine, which is neutral and polar, with threonine, which is neutral and polar, at codon 1203 of the DICER1 protein (p.Asn1203Thr). This variant is not present in population databases (gnomAD no frequency). This variant has not been reported in the literature in individuals affected with DICER1-related conditions. ClinVar contains an entry for this variant (Variation ID: 1733172). Advanced modeling of protein sequence and biophysical properties (such as structural, functional, and spatial information, amino acid conservation, physicochemical variation, residue mobility, and thermodynamic stability) performed at Invitae indicates that this missense variant is not expected to disrupt DICER1 protein function with a negative predictive value of 80%. In summary, the available evidence is currently insufficient to determine the role of this variant in disease. Therefore, it has been classified as a Variant of Uncertain Significance.

Ambry Genetics
Classification: Uncertain significance for Hereditary cancer-predisposing syndrome. Last evaluated: 2022-09-18. Review status: criteria provided, single submitter. Criteria: Ambry Variant Classification Scheme 2023. Collection method: clinical testing. Allele origin: germline.
Comment: The p.N1203T variant (also known as c.3608A>C), located in coding exon 20 of the DICER1 gene, results from an A to C substitution at nucleotide position 3608. The asparagine at codon 1203 is replaced by threonine, an amino acid with similar properties. This amino acid position is conserved. In addition, this alteration is predicted to be tolerated by in silico analysis. Since supporting evidence is limited at this time, the clinical significance of this alteration remains unclear.